The following is an entry in ClinVar:

ClinVar aggregate classification (germline): Uncertain significance (1 of 4 stars; one submission).

Submission:

Labcorp Genetics (formerly Invitae), Labcorp
Classification: Uncertain significance. Last evaluated: 2023-09-10. Review status: criteria provided, single submitter. Criteria: Invitae Variant Classification Sherloc (09022015). Collection method: clinical testing. Allele origin: germline.
Comment: This variant has not been reported in the literature in individuals affected with GUCY2C-related conditions. This variant is not present in population databases (gnomAD no frequency). This sequence change creates a premature translational stop signal (p.Ala46Leufs*14) in the GUCY2C gene. It is expected to result in an absent or disrupted protein product. However, the current clinical and genetic evidence is not sufficient to establish whether loss-of-function variants in GUCY2C cause disease. In summary, the available evidence is currently insufficient to determine the role of this variant in disease. Therefore, it has been classified as a Variant of Uncertain Significance.

NM_004963.4(GUCY2C):c.133_134del (p.Ala46fs)

Genes: GUCY2C (guanylate cyclase 2C; minus strand), GUCY2C-AS1 (GUCY2C antisense RNA 1; plus strand). Cytogenetic location: 12p12.3.
Variant type: Deletion.
Coding change: c.133_134del on transcript NM_004963.4 (MANE Select); coding-DNA positions 133 to 134, 2 bases deleted (TC; older notation c.133_134delTC).
Protein change: p.Ala46fs; shifts the reading frame from alanine 46.
Molecular consequence: frameshift variant.
Genome position (GRCh38, 1-based): chr12:14,696,315-14,696,316, GA deleted on the plus strand (TC on the coding strand, the reverse complement: GUCY2C is on the minus strand); deleting any 2 consecutive bases within chr12:14,696,315-14,696,317 gives the same sequence; the c. name uses the placement nearest the transcript's 3' end. VCF-style (leftmost placement, unchanged base first): chr12-14696314-TGA-T. GRCh37 (hg19) VCF-style: chr12-14849248-TGA-T.
Other names: short protein forms A46fs.
Identifiers: ClinVar variation 2759743 (VCV002759743.3), dbSNP rs2497846130, ClinGen allele CA2697559122.